The following is an entry in ClinVar:

ClinVar aggregate classification (germline): Benign/Likely benign. Review status: criteria provided, multiple submitters, no conflicts (2 of 4 stars). 10 submissions from 10 submitters: Benign (5); Likely benign (3). 2 of the submissions do not count toward it. Last evaluated 2026-02-02.

Conditions:
LPL-related disorder. Also called: LPL-related condition.
Hyperlipoproteinemia, type I. Also called: Familial hyperlipo-proteinemia type 1; Hyperlipemia essential familial; Lipoprotein Lipase Deficiency; Lipase D deficiency; HYPERLIPOPROTEINEMIA, TYPE IA; LPL DEFICIENCY. Identifiers: Orphanet 309015, Orphanet 444490, MedGen C0023817, MONDO:0009387, OMIM 238600. Disease mechanism: loss of function.
Cardiovascular phenotype. Identifiers: MedGen CN230736.

Allele frequency attached by ClinVar (database versions not stated): gnomAD exomes 0.00030 and 0.00080; ExAC 0.00108; gnomAD 0.00325 and 0.00353; 1000 Genomes Project 30x 0.00359; 1000 Genomes Project 0.00379; TOPMed 0.00393; ESP Exome Variant Server 0.00438.
gnomAD v4.1: 952 of 1,613,878 alleles (0.059%); highest among the groups gnomAD compares: African/African-American, 1.1%; 4 homozygotes.

Submissions (10):

Labcorp Genetics (formerly Invitae), Labcorp
Classification: Benign. Last evaluated: 2026-02-02. Review status: criteria provided, single submitter. Criteria: Invitae Variant Classification Sherloc (09022015). Collection method: clinical testing. Allele origin: germline.

CeGaT Center for Human Genetics Tuebingen
Classification: Likely benign. Last evaluated: 2025-10-01. Review status: criteria provided, single submitter. Criteria: CeGaT Center For Human Genetics Tuebingen Variant Classification Criteria Version 2. Collection method: clinical testing. Allele origin: germline. Affected: yes. Observed: 2 variant alleles.
Comment: LPL: BP4, BS1

Molecular Diagnostic Laboratory for Inherited Cardiovascular Disease, Montreal Heart Institute
Classification: Benign. Last evaluated: 2025-04-09. Review status: criteria provided, single submitter. Criteria: ACMG Guidelines, 2015. Collection method: clinical testing. Allele origin: germline. Affected: no.

Blueprint Genetics
Classification: Likely benign. Last evaluated: 2024-11-26. Review status: criteria provided, single submitter. Criteria: ACMG Guidelines, 2015. Collection method: clinical testing. Allele origin: germline.

Women's Health and Genetics/Laboratory Corporation of America, LabCorp
Classification: Benign. Last evaluated: 2022-07-06. Review status: criteria provided, single submitter. Criteria: LabCorp Variant Classification Summary - May 2015. Collection method: clinical testing. Allele origin: germline.
Comment: Variant summary: LPL c.1135A>G (p.Thr379Ala) results in a non-conservative amino acid change in the encoded protein sequence. Four of five in-silico tools predict a benign effect of the variant on protein function. The variant allele was found at a frequency of 0.0008 in 252048 control chromosomes, predominantly at a frequency of 0.011 within the African or African-American subpopulation in the gnomAD database, including 2 homozygotes. The observed variant frequency within African or African-American control individuals in the gnomAD database is approximately 3 fold of the estimated maximal expected allele frequency for a pathogenic variant in LPL causing Familial Lipoprotein Lipase Deficiency phenotype (0.0034), strongly suggesting that the variant is a benign polymorphism found primarily in populations of African or African-American origin. c.1135A>G has been reported in the literature in at least one individual affected with Familial Lipoprotein Lipase Deficiency (Minicocci_2015). This report does not provide unequivocal conclusions about association of the variant with Familial Lipoprotein Lipase Deficiency. To our knowledge, no experimental evidence demonstrating an impact on protein function has been reported. Three other clinical diagnostic laboratories have submitted clinical-significance assessments for this variant to ClinVar after 2014 without evidence for independent evaluation. All laboratories classified the variant as benign. Based on the evidence outlined above, the variant was classified as benign.

Ambry Genetics
Classification: Benign for Cardiovascular phenotype. Last evaluated: 2019-05-03. Review status: criteria provided, single submitter. Criteria: Ambry Variant Classification Scheme 2023. Collection method: clinical testing. Allele origin: germline.

Illumina Laboratory Services, Illumina
Classification: Benign for Hyperlipoproteinemia, type I. Last evaluated: 2017-10-13. Review status: criteria provided, single submitter. Criteria: ICSL Variant Classification Criteria 13 December 2019. Collection method: clinical testing. Allele origin: germline.
Comment: This variant was observed as part of a predisposition screen in an ostensibly healthy population. A literature search was performed for the gene, cDNA change, and amino acid change (where applicable). Publications were found based on this search. The evidence from the literature, in combination with allele frequency data from public databases where available, was sufficient to rule this variant out of causing disease. Therefore, this variant is classified as benign.

Breakthrough Genomics
Classification: Likely benign. Review status: criteria provided, single submitter. Criteria: ACMG Guidelines, 2015. Collection method: not provided. Allele origin: germline. Inheritance: Autosomal recessive inheritance. Affected: yes.

Natera, Inc.
Classification: Benign for Lipoprotein lipase deficiency. Last evaluated: 2019-11-08. Review status: no assertion criteria provided. Collection method: clinical testing. Allele origin: germline. Not counted in ClinVar's aggregate classification.

PreventionGenetics, part of Exact Sciences
Classification: Likely benign for LPL-related condition. Last evaluated: 2019-06-06. Review status: no assertion criteria provided. Collection method: clinical testing. Allele origin: germline. Not counted in ClinVar's aggregate classification.
Comment: This variant is classified as likely benign based on ACMG/AMP sequence variant interpretation guidelines (Richards et al. 2015 PMID: 25741868, with internal and published modifications).

Literature cited by the submitters: PubMed 26342331 (cited by Women's Health and Genetics/Laboratory Corporation of America, LabCorp and Ambry Genetics); PubMed 10407505 (cited by Women's Health and Genetics/Laboratory Corporation of America, LabCorp); PubMed 22129523 (cited by 3 submitters); PubMed 18649389 (cited by Women's Health and Genetics/Laboratory Corporation of America, LabCorp).

NM_000237.3(LPL):c.1135A>G (p.Thr379Ala)

Gene: LPL (lipoprotein lipase; plus strand). Cytogenetic location: 8p21.3.
Variant type: single nucleotide variant.
Coding change: c.1135A>G on transcript NM_000237.3 (MANE Select); coding-DNA position 1135, A replaced by G.
Protein change: p.Thr379Ala; replaces threonine 379 with alanine.
Molecular consequence: missense variant.
Genome position (GRCh38, 1-based): chr8:19,959,376, A>G. VCF-style: chr8-19959376-A-G. GRCh37 (hg19) VCF-style: chr8-19816887-A-G.
Other names: short protein forms T379A.
Identifiers: ClinVar variation 495741 (VCV000495741.47), dbSNP rs300, ClinGen allele CA4655618.